The following is an entry in ClinVar:

NM_001982.4(ERBB3):c.2359A>C (p.Thr787Pro)

Gene: ERBB3 (erb-b2 receptor tyrosine kinase 3; plus strand). Cytogenetic location: 12q13.2.
Variant type: single nucleotide variant.
Coding change: c.2359A>C on transcript NM_001982.4 (MANE Select); coding-DNA position 2359, A replaced by C.
Protein change: p.Thr787Pro; replaces threonine 787 with proline.
Molecular consequence: missense variant.
Genome position (GRCh38, 1-based): chr12:56,097,129, A>C. VCF-style: chr12-56097129-A-C. GRCh37 (hg19) VCF-style: chr12-56490913-A-C.
Other names: short protein forms T787P.
Identifiers: ClinVar variation 1188814 (VCV001188814.6), dbSNP rs2136818517, ClinGen allele CA385312099.

ClinVar aggregate classification (germline): Likely pathogenic. Review status: criteria provided, single submitter (1 of 4 stars). 2 submissions from 2 submitters: Likely pathogenic (1). 1 of the submissions does not count toward it. Last evaluated 2022-02-21.

Conditions:
Visceral neuropathy, familial, 1, autosomal recessive (VSCN1). Identifiers: Orphanet 99811, MedGen C1855733, MONDO:8000011, OMIM 243180.

Submissions (2):

SIB Swiss Institute of Bioinformatics
Classification: Likely pathogenic for Visceral neuropathy, familial, 1, autosomal recessive. Last evaluated: 2022-02-21. Review status: criteria provided, single submitter. Criteria: ACMG Guidelines, 2015. Collection method: curation. Allele origin: unknown.
Comment: This variant is interpreted as likely pathogenic for Visceral neuropathy, familial, 1, autosomal recessive. The following ACMG Tag(s) were applied: Absent from controls (or at extremely low frequency if recessive) in Exome Sequencing Project, 1000 Genomes Project, or Exome Aggregation Consortium (PM2); Multiple lines of computational evidence support a deleterious effect on the gene or gene product (PP3); Well-established functional studies show a deleterious effect (PS3).

OMIM
Classification: Pathogenic for VISCERAL NEUROPATHY, FAMILIAL, 1, AUTOSOMAL RECESSIVE. Last evaluated: 2021-08-02. Review status: no assertion criteria provided. Collection method: literature only. Allele origin: germline. Not counted in ClinVar's aggregate classification.

Literature cited by the submitters: PubMed 33497358 (cited by SIB Swiss Institute of Bioinformatics and OMIM).